The following is an entry in ClinVar:

ClinVar aggregate classification (germline): Likely benign (1 of 4 stars; one submission).

Allele frequency attached by ClinVar (database versions not stated): gnomAD 0.00357 and 0.00372; 1000 Genomes Project 0.00359; 1000 Genomes Project 30x 0.00390; TOPMed 0.00406.
gnomAD v4.1: 924 of 1,276,308 alleles (0.072%); highest among the groups gnomAD compares: African/African-American, 1.2%; 5 homozygotes.

Submission:

GeneDx
Classification: Likely benign. Last evaluated: 2018-06-18. Review status: criteria provided, single submitter. Criteria: GeneDx Variant Classification (06012015). Collection method: clinical testing. Allele origin: germline. Affected: yes.
Comment: This variant is considered likely benign or benign based on one or more of the following criteria: it is a conservative change, it occurs at a poorly conserved position in the protein, it is predicted to be benign by multiple in silico algorithms, and/or has population frequency not consistent with disease.

NM_021625.5(TRPV4):c.2336+124C>T

Gene: TRPV4 (transient receptor potential cation channel subfamily V member 4; minus strand). Cytogenetic location: 12q24.11.
Variant type: single nucleotide variant.
Coding change: c.2336+124C>T on transcript NM_021625.5 (MANE Select); 124 bases into the intron after coding-DNA position 2336, C replaced by T.
Molecular consequence: intron variant.
Genome position (GRCh38, 1-based): chr12:109,786,586, G>A on the plus strand (C>T on the coding strand, the complement: TRPV4 is on the minus strand). VCF-style: chr12-109786586-G-A. GRCh37 (hg19) VCF-style: chr12-110224391-G-A.
Other names: c.2015+124C>T (NM_001177433.1); c.2195+124C>T (NM_001177428.1); c.2156+124C>T (NM_147204.2); c.2234+124C>T (NM_001177431.1).
Identifiers: ClinVar variation 677517 (VCV000677517.1), dbSNP rs140010635, ClinGen allele CA243496179.
Genomic context (GRCh38, chr12:109,786,586, plus strand): 5'-TGAGGCTGAGAGAGGTGGGCTGACTTGCCTGAGATCGCCTGGTGGAAATGAACTCTGCTC[G>A]GGCCTCTTGGGGCCTCAGTGGCTCCAGAAATTGCAATGGGTAGACGACGCTGGAGCAGCA-3'